The following is an entry in ClinVar:

ClinVar aggregate classification (germline): Uncertain significance (1 of 4 stars; one submission).

Submission:

Labcorp Genetics (formerly Invitae), Labcorp
Classification: Uncertain significance. Last evaluated: 2024-12-28. Review status: criteria provided, single submitter. Criteria: Invitae Variant Classification Sherloc (09022015). Collection method: clinical testing. Allele origin: germline.
Comment: This sequence change replaces serine, which is neutral and polar, with cysteine, which is neutral and slightly polar, at codon 2353 of the KMT2A protein (p.Ser2353Cys). This variant is not present in population databases (gnomAD no frequency). This variant has not been reported in the literature in individuals affected with KMT2A-related conditions. ClinVar contains an entry for this variant (Variation ID: 2763164). Invitae Evidence Modeling of protein sequence and biophysical properties (such as structural, functional, and spatial information, amino acid conservation, physicochemical variation, residue mobility, and thermodynamic stability) indicates that this missense variant is not expected to disrupt KMT2A protein function with a negative predictive value of 95%. In summary, the available evidence is currently insufficient to determine the role of this variant in disease. Therefore, it has been classified as a Variant of Uncertain Significance.

NM_001197104.2(KMT2A):c.7058C>G (p.Ser2353Cys)

Gene: KMT2A (lysine methyltransferase 2A; plus strand). Cytogenetic location: 11q23.3.
Variant type: single nucleotide variant.
Coding change: c.7058C>G on transcript NM_001197104.2 (MANE Select); coding-DNA position 7058, C replaced by G.
Protein change: p.Ser2353Cys; replaces serine 2353 with cysteine.
Molecular consequence: missense variant.
Genome position (GRCh38, 1-based): chr11:118,502,950, C>G. VCF-style: chr11-118502950-C-G. GRCh37 (hg19) VCF-style: chr11-118373665-C-G.
Other names: c.7148C>G, p.Ser2383Cys (NM_001412597.1); c.7049C>G, p.Ser2350Cys (NM_005933.4); short protein forms S2350C, S2353C, S2383C.
Identifiers: ClinVar variation 2763164 (VCV002763164.3), dbSNP rs2134387882, ClinGen allele CA382804152.
Genomic context (GRCh38, chr11:118,502,950, plus strand): 5'-AACTGGCCCCACAGGTTCATAACACAACATCTAGAGAACTGAATGTTAGTAAAATCGGCT[C>G]CTTTGCTGAACCCTCTTCAGTGTCGTTTTCTTCTAAAGAGGCCCTCTCCTTCCCACACCT-3'
Protein context (NP_001184033.1, residues 2343-2363): SRELNVSKIG[Ser2353Cys]FAEPSSVSFS